The following is an entry in ClinVar:

NM_015335.5(MED13L):c.2791-3C>T

Gene: MED13L (mediator complex subunit 13L; minus strand). Cytogenetic location: 12q24.21.
Variant type: single nucleotide variant.
Coding change: c.2791-3C>T on transcript NM_015335.5 (MANE Select); 3 bases into the intron before coding-DNA position 2791, C replaced by T.
Molecular consequence: intron variant.
Genome position (GRCh38, 1-based): chr12:115,996,684, G>A on the plus strand (C>T on the coding strand, the complement: MED13L is on the minus strand). VCF-style: chr12-115996684-G-A. GRCh37 (hg19) VCF-style: chr12-116434489-G-A.
Identifiers: ClinVar variation 854666 (VCV000854666.10), dbSNP rs768223325, ClinGen allele CA6811096.

ClinVar aggregate classification (germline): Uncertain significance (1 of 4 stars; one submission).

Conditions:
Dextro-looped transposition of the great arteries. Also called: Dextrotransposition of the great arteries. Identifiers: Orphanet 860, MedGen C3531771, MONDO:0019443, OMIM 608808, HP:0031348.

Allele frequency attached by ClinVar (database versions not stated): gnomAD exomes below 0.00001; ExAC 0.00001; gnomAD 0.00001.
gnomAD v4.1: 6 of 1,611,430 alleles (0.00037%); highest among the groups gnomAD compares: Admixed American, 0.0017%; no homozygotes.

Submission:

Labcorp Genetics (formerly Invitae), Labcorp
Classification: Uncertain significance for Dextro-looped transposition of the great arteries. Last evaluated: 2019-01-17. Review status: criteria provided, single submitter. Criteria: Invitae Variant Classification Sherloc (09022015). Collection method: clinical testing. Allele origin: germline.
Comment: In summary, the available evidence is currently insufficient to determine the role of this variant in disease. Therefore, it has been classified as a Variant of Uncertain Significance. Nucleotide substitutions within the consensus splice site are a relatively common cause of aberrant splicing (PMID: 17576681, 9536098). Algorithms developed to predict the effect of sequence changes on RNA splicing suggest that this variant is not likely to affect RNA splicing, but this prediction has not been confirmed by published transcriptional studies. This variant has not been reported in the literature in individuals with MED13L-related conditions. This variant is present in population databases (rs768223325, ExAC 0.009%). This sequence change falls in intron 15 of the MED13L gene. It does not directly change the encoded amino acid sequence of the MED13L protein, but it affects a nucleotide within the consensus splice site of the intron.

Literature cited by the submitters: PubMed 17576681; PubMed 9536098.